The following is an entry in ClinVar:

NM_003126.4(SPTA1):c.47A>T (p.Lys16Met)

Gene: SPTA1 (spectrin alpha, erythrocytic 1; minus strand). Cytogenetic location: 1q23.1.
Variant type: single nucleotide variant.
Coding change: c.47A>T on transcript NM_003126.4 (MANE Select); coding-DNA position 47, A replaced by T.
Protein change: p.Lys16Met; replaces lysine 16 with methionine.
Molecular consequence: missense variant.
Genome position (GRCh38, 1-based): chr1:158,685,325, T>A on the plus strand (A>T on the coding strand, the complement: SPTA1 is on the minus strand). VCF-style: chr1-158685325-T-A. GRCh37 (hg19) VCF-style: chr1-158655115-T-A.
Other names: p.Lys16Met; short protein forms K16M.
Identifiers: ClinVar variation 875178 (VCV000875178.12), dbSNP rs201634881, ClinGen allele CA1184264.

ClinVar aggregate classification (germline): Conflicting classifications of pathogenicity. Review status: criteria provided, conflicting classifications (1 of 4 stars). 8 submissions from 6 submitters: Uncertain significance (7); Benign (1). Last evaluated 2025-09-18.

Conditions:
Hereditary spherocytosis type 3. Also called: SPTA1-Related Spherocytosis; Spherocytosis type 3. Identifiers: Orphanet 822, MedGen C2678338, MONDO:0010053, OMIM 270970.
Elliptocytosis 2 (EL2). Also called: ELLIPTOCYTOSIS, RHESUS-UNLINKED TYPE. Identifiers: Orphanet 288, MedGen C1851741, MONDO:0007533, OMIM 130600.
Pyropoikilocytosis, hereditary. Also called: Pyropoikilocytosis. Identifiers: MedGen C0520739, MONDO:0009948, OMIM 266140, HP:0004839. Disease mechanism: loss of function.

Allele frequency attached by ClinVar (database versions not stated): gnomAD exomes 0.00004 and 0.00007; ExAC 0.00008; 1000 Genomes Project 0.00020; ESP Exome Variant Server 0.00025; 1000 Genomes Project 30x 0.00031; gnomAD 0.00034 and 0.00039; TOPMed 0.00040.
gnomAD v4.1: 115 of 1,613,622 alleles (0.0071%); highest among the groups gnomAD compares: African/African-American, 0.14%; no homozygotes.

Submissions (8):

Mayo Clinic Laboratories, Mayo Clinic
Classification: Uncertain significance. Last evaluated: 2025-09-18. Review status: criteria provided, single submitter. Criteria: ACMG Guidelines, 2015. Collection method: clinical testing. Allele origin: germline. Observed: 1 variant allele.
Comment: BP4

GeneDx
Classification: Uncertain significance. Last evaluated: 2025-06-11. Review status: criteria provided, single submitter. Criteria: GeneDx Variant Classification Process June 2021. Collection method: clinical testing. Allele origin: germline. Affected: yes.
Comment: In silico analysis supports that this missense variant has a deleterious effect on protein structure/function; Has not been previously published as pathogenic or benign to our knowledge

Labcorp Genetics (formerly Invitae), Labcorp
Classification: Benign. Last evaluated: 2025-04-23. Review status: criteria provided, single submitter. Criteria: Invitae Variant Classification Sherloc (09022015). Collection method: clinical testing. Allele origin: germline.

Revvity Omics, Revvity
Classification: Uncertain significance. Last evaluated: 2024-10-09. Review status: criteria provided, single submitter. Criteria: ACMG Guidelines, 2015. Collection method: clinical testing. Allele origin: germline.

Ambry Genetics
Classification: Uncertain significance. Last evaluated: 2024-04-12. Review status: criteria provided, single submitter. Criteria: Ambry Variant Classification Scheme 2023. Collection method: clinical testing. Allele origin: germline.

Illumina Laboratory Services, Illumina
Classification: Uncertain significance for Elliptocytosis 2. Last evaluated: 2018-01-13. Review status: criteria provided, single submitter. Criteria: ICSL Variant Classification Criteria 13 December 2019. Collection method: clinical testing. Allele origin: germline.

Illumina Laboratory Services, Illumina
Classification: Uncertain significance for Hereditary spherocytosis type 3. Last evaluated: 2018-01-13. Review status: criteria provided, single submitter. Criteria: ICSL Variant Classification Criteria 13 December 2019. Collection method: clinical testing. Allele origin: germline.

Illumina Laboratory Services, Illumina
Classification: Uncertain significance for Pyropoikilocytosis, hereditary. Last evaluated: 2018-01-13. Review status: criteria provided, single submitter. Criteria: ICSL Variant Classification Criteria 13 December 2019. Collection method: clinical testing. Allele origin: germline.